The following is an entry in ClinVar:

ClinVar aggregate classification (germline): Conflicting classifications of pathogenicity. Review status: criteria provided, conflicting classifications (1 of 4 stars). 4 submissions from 4 submitters: Uncertain significance (2); Likely benign (1). 1 of the submissions does not count toward it. Last evaluated 2026-08-31.

Conditions:
FANCA-related disorder. Also called: FANCA-related condition.
Fanconi anemia (FA). Also called: Fanconi's anemia. Identifiers: Orphanet 84, MedGen C0015625, MeSH D005199, MONDO:0019391.
Fanconi anemia complementation group A (FANCA). Also called: Fanconi anemia, group A; FANCA-Related Fanconi Anemia. Identifiers: Orphanet 84, MedGen C3469521, MONDO:0009215, OMIM 227650.

Allele frequency attached by ClinVar (database versions not stated): TOPMed below 0.00001; ExAC 0.00005; gnomAD exomes 0.00005.

Submissions (4):

PreventionGenetics, part of Exact Sciences
Classification: Uncertain significance for FANCA-related condition. Last evaluated: 2026-08-31. Review status: criteria provided, single submitter. Criteria: ACMG Guidelines, 2015. Collection method: clinical testing. Allele origin: germline.
Comment: The FANCA c.527C>T variant is predicted to result in the amino acid substitution p.Ser176Phe. To our knowledge, this variant has not been reported in the literature. This variant is reported in 0.065% of alleles in individuals of East Asian descent in gnomAD. At this time, the clinical significance of this variant is uncertain due to the absence of conclusive functional and genetic evidence.

Labcorp Genetics (formerly Invitae), Labcorp
Classification: Likely benign for Fanconi anemia. Last evaluated: 2025-05-11. Review status: criteria provided, single submitter. Criteria: Invitae Variant Classification Sherloc (09022015). Collection method: clinical testing. Allele origin: germline.

Illumina Laboratory Services, Illumina
Classification: Uncertain significance for Fanconi anemia complementation group A. Last evaluated: 2018-01-13. Review status: criteria provided, single submitter. Criteria: ICSL Variant Classification Criteria 13 December 2019. Collection method: clinical testing. Allele origin: germline.

Natera, Inc.
Classification: Uncertain significance for Fanconi anemia. Last evaluated: 2020-01-20. Review status: no assertion criteria provided. Collection method: clinical testing. Allele origin: germline. Not counted in ClinVar's aggregate classification.

NM_000135.4(FANCA):c.527C>T (p.Ser176Phe)

Gene: FANCA (FA complementation group A; minus strand). Cytogenetic location: 16q24.3.
Variant type: single nucleotide variant.
Coding change: c.527C>T on transcript NM_000135.4 (MANE Select); coding-DNA position 527, C replaced by T.
Protein change: p.Ser176Phe; replaces serine 176 with phenylalanine.
Molecular consequence: missense variant.
Genome position (GRCh38, 1-based): chr16:89,808,363, G>A on the plus strand (C>T on the coding strand, the complement: FANCA is on the minus strand). VCF-style: chr16-89808363-G-A. GRCh37 (hg19) VCF-style: chr16-89874771-G-A.
Other names: c.527C>T (LRG_495t1); c.527C>T, p.Ser176Phe (NM_001018112.3, NM_001286167.3); c.431C>T, p.Ser144Phe (NM_001351830.2); short protein forms S176F, S144F.
Identifiers: ClinVar variation 456131 (VCV000456131.17), dbSNP rs35566151, ClinGen allele CA8252945.